The following is an entry in ClinVar:

NM_000368.5(TSC1):c.-144+9G>C

Gene: TSC1 (TSC complex subunit 1; minus strand). Cytogenetic location: 9q34.13.
Variant type: single nucleotide variant.
Coding change: c.-144+9G>C on transcript NM_000368.5 (MANE Select); 9 bases into the intron after 144 bases upstream of the start codon, G replaced by C.
Molecular consequence: intron variant.
Genome position (GRCh38, 1-based): chr9:132,944,534, C>G on the plus strand (G>C on the coding strand, the complement: TSC1 is on the minus strand). VCF-style: chr9-132944534-C-G. GRCh37 (hg19) VCF-style: chr9-135819921-C-G.
Other names: c.-403+9G>C (NM_001362177.2); c.-144+9G>C (NM_001162427.2, NM_001162426.2).
Identifiers: ClinVar variation 506875 (VCV000506875.1), dbSNP rs1356563066, ClinGen allele CA591053497.

ClinVar aggregate classification (germline): Likely benign (1 of 4 stars; one submission).

Allele frequency attached by ClinVar (database versions not stated): gnomAD exomes 0.00001.
gnomAD v4.1: 4 of 398,730 alleles (0.001%); highest among the groups gnomAD compares: Non-Finnish European, 0.0013%; no homozygotes.

Submission:

GeneDx
Classification: Likely benign. Last evaluated: 2017-01-20. Review status: criteria provided, single submitter. Criteria: GeneDx Variant Classification (06012015). Collection method: clinical testing. Allele origin: germline. Affected: yes.
Comment: This variant is considered likely benign or benign based on one or more of the following criteria: it is a conservative change, it occurs at a poorly conserved position in the protein, it is predicted to be benign by multiple in silico algorithms, and/or has population frequency not consistent with disease.